The following is an entry in ClinVar:

NM_015375.3(DSTYK):c.654+7A>G

Gene: DSTYK (dual serine/threonine and tyrosine protein kinase; minus strand). Cytogenetic location: 1q32.1.
Variant type: single nucleotide variant.
Coding change: c.654+7A>G on transcript NM_015375.3 (MANE Select); 7 bases into the intron after coding-DNA position 654, A replaced by G.
Molecular consequence: intron variant.
Genome position (GRCh38, 1-based): chr1:205,187,411, T>C on the plus strand (A>G on the coding strand, the complement: DSTYK is on the minus strand). VCF-style: chr1-205187411-T-C. GRCh37 (hg19) VCF-style: chr1-205156539-T-C.
Other names: c.654+7A>G (NM_015375.2, NM_199462.3).
Identifiers: ClinVar variation 2170419 (VCV002170419.5), dbSNP rs544826736, ClinGen allele CA1353004.

ClinVar aggregate classification (germline): Likely benign. Review status: criteria provided, multiple submitters, no conflicts (2 of 4 stars). 2 submissions from 2 submitters: Likely benign (2). Last evaluated 2026-01-27.

Conditions:
DSTYK-related disorder. Also called: DSTYK-related condition.

Allele frequency attached by ClinVar (database versions not stated): ExAC 0.00001; TOPMed 0.00003; gnomAD 0.00005; gnomAD exomes 0.00007.
gnomAD v4.1: 102 of 1,600,144 alleles (0.0064%); highest among the groups gnomAD compares: Non-Finnish European, 0.0083%; no homozygotes.

Submissions (2):

PreventionGenetics, part of Exact Sciences
Classification: Likely benign for DSTYK-related condition. Last evaluated: 2026-01-27. Review status: criteria provided, single submitter. Criteria: ACMG Guidelines, 2015. Collection method: clinical testing. Allele origin: germline.
Comment: This variant is classified as likely benign based on ACMG/AMP sequence variant interpretation guidelines (Richards et al. 2015 PMID: 25741868, with internal and published modifications).

Labcorp Genetics (formerly Invitae), Labcorp
Classification: Likely benign. Last evaluated: 2022-06-22. Review status: criteria provided, single submitter. Criteria: Invitae Variant Classification Sherloc (09022015). Collection method: clinical testing. Allele origin: germline.